The following is an entry in ClinVar:

ClinVar aggregate classification (germline): Uncertain significance (1 of 4 stars; one submission).

Submission:

Labcorp Genetics (formerly Invitae), Labcorp
Classification: Uncertain significance. Last evaluated: 2021-11-27. Review status: criteria provided, single submitter. Criteria: Invitae Variant Classification Sherloc (09022015). Collection method: clinical testing. Allele origin: germline.
Comment: This sequence change replaces histidine, which is basic and polar, with tyrosine, which is neutral and polar, at codon 1888 of the SNRNP200 protein (p.His1888Tyr). This variant is not present in population databases (gnomAD no frequency). This variant has not been reported in the literature in individuals affected with SNRNP200-related conditions. Algorithms developed to predict the effect of missense changes on protein structure and function are either unavailable or do not agree on the potential impact of this missense change (SIFT: "Tolerated"; PolyPhen-2: "Probably Damaging"; Align-GVGD: "Class C0"). Algorithms developed to predict the effect of sequence changes on RNA splicing suggest that this variant may create or strengthen a splice site. In summary, the available evidence is currently insufficient to determine the role of this variant in disease. Therefore, it has been classified as a Variant of Uncertain Significance.

NM_014014.5(SNRNP200):c.5662C>T (p.His1888Tyr)

Gene: SNRNP200 (small nuclear ribonucleoprotein U5 subunit 200; minus strand). Cytogenetic location: 2q11.2.
Variant type: single nucleotide variant.
Coding change: c.5662C>T on transcript NM_014014.5 (MANE Select); coding-DNA position 5662, C replaced by T.
Protein change: p.His1888Tyr; replaces histidine 1888 with tyrosine.
Molecular consequence: missense variant.
Genome position (GRCh38, 1-based): chr2:96,277,899, G>A on the plus strand (C>T on the coding strand, the complement: SNRNP200 is on the minus strand). VCF-style: chr2-96277899-G-A. GRCh37 (hg19) VCF-style: chr2-96943637-G-A.
Other names: short protein forms H1888Y.
Identifiers: ClinVar variation 1505892 (VCV001505892.6), dbSNP rs2104331540, ClinGen allele CA347658678.